The following is an entry in ClinVar:

Single allele

Genes: EGOT (eosinophil granule ontogeny transcript; minus strand), ITPR1 (inositol 1,4,5-trisphosphate receptor type 1; plus strand), SETMAR (SET domain and mariner transposase fusion gene; plus strand), SUMF1 (sulfatase modifying factor 1; minus strand). Cytogenetic location: 3p26.1.
Variant type: Duplication.
Identifiers: ClinVar variation 560082 (VCV000560082.3).

ClinVar aggregate classification (germline): Uncertain significance (1 of 4 stars; one submission).

Submission:

Geisinger Autism and Developmental Medicine Institute, Geisinger Health System
Classification: Uncertain significance. Last evaluated: 2017-05-01. Review status: criteria provided, single submitter. Criteria: ACMG CNV Guidelines, 2011. Collection method: provider interpretation. Allele origin: maternal.